The following is an entry in ClinVar:

NM_032638.5(GATA2):c.1186C>T (p.Arg396Trp)

Gene: GATA2 (GATA binding protein 2; minus strand). Cytogenetic location: 3q21.3.
Variant type: single nucleotide variant.
Coding change: c.1186C>T on transcript NM_032638.5 (MANE Select); coding-DNA position 1186, C replaced by T.
Protein change: p.Arg396Trp; replaces arginine 396 with tryptophan.
Molecular consequence: missense variant.
Genome position (GRCh38, 1-based): chr3:128,481,276, G>A on the plus strand (C>T on the coding strand, the complement: GATA2 is on the minus strand). VCF-style: chr3-128481276-G-A. GRCh37 (hg19) VCF-style: chr3-128200119-G-A.
Other names: c.1186C>T, p.Arg396Trp (NM_001145661.2); c.1144C>T, p.Arg382Trp (NM_001145662.1); short protein forms R382W, R396W.
Identifiers: ClinVar variation 800683 (VCV000800683.18), dbSNP rs1576744529, ClinGen allele CA354413236.

ClinVar aggregate classification (germline): Pathogenic/Likely pathogenic. Review status: criteria provided, multiple submitters, no conflicts (2 of 4 stars). 7 submissions from 7 submitters: Pathogenic (4); Likely pathogenic (3). Last evaluated 2025-12-02.

Conditions:
GATA2-related disorder. Also called: GATA2-Related Disorders; GATA2-related condition.
Inborn genetic diseases. Identifiers: MedGen C0950123, MeSH D030342.
Deafness-lymphedema-leukemia syndrome. Also called: Emberger syndrome; Lymphedema, primary, with myelodysplasia. Identifiers: Orphanet 3226, MedGen C3279664, MONDO:0013540, OMIM 614038.
Monocytopenia with susceptibility to infections. Also called: IMMUNODEFICIENCY 21; GATA2 DEFICIENCY; COMBINED IMMUNODEFICIENCY WITH SUSCEPTIBILITY TO MYCOBACTERIAL, VIRAL, AND FUNGAL INFECTIONS; MONOCYTOPENIA AND MYCOBACTERIAL INFECTION SYNDROME; MONOCYTOPENIA WITH SUSCEPTIBILITY TO MYCOBACTERIAL, FUNGAL, AND PAPILLOMAVIRUS INFECTIONS AND MYELODYSPLASIA; Dendritic cell, monocyte, B lymphocyte, and natural killer lymphocyte deficiency. Identifiers: Orphanet 228423, MedGen C3280030, MONDO:0013607, OMIM 614172.
GATA2 deficiency with susceptibility to MDS/AML. Identifiers: MedGen CN300066, MONDO:0042982.

Submissions (7):

Labcorp Genetics (formerly Invitae), Labcorp
Classification: Pathogenic for Monocytopenia with susceptibility to infections; Deafness-lymphedema-leukemia syndrome. Last evaluated: 2025-12-02. Review status: criteria provided, single submitter. Criteria: Invitae Variant Classification Sherloc (09022015). Collection method: clinical testing. Allele origin: germline.
Comment: This sequence change replaces arginine, which is basic and polar, with tryptophan, which is neutral and slightly polar, at codon 396 of the GATA2 protein (p.Arg396Trp). This variant is not present in population databases (gnomAD no frequency). This missense change has been observed in individuals with clinical features of GATA2-related conditions (PMID: 21670465, 27876779, 27924436, 29724903, 31732620). ClinVar contains an entry for this variant (Variation ID: 800683). Invitae Evidence Modeling of protein sequence and biophysical properties (such as structural, functional, and spatial information, amino acid conservation, physicochemical variation, residue mobility, and thermodynamic stability) indicates that this missense variant is expected to disrupt GATA2 protein function with a positive predictive value of 95%. This variant disrupts the p.Arg396 amino acid residue in GATA2. Other variant(s) that disrupt this residue have been determined to be pathogenic (PMID: 21670465, 21765025, 22430350, 22533337, 23223431, 24077845, 25624456). This suggests that this residue is clinically significant, and that variants that disrupt this residue are likely to be disease-causing. For these reasons, this variant has been classified as Pathogenic.

Ambry Genetics
Classification: Likely pathogenic for Inborn genetic diseases. Last evaluated: 2025-11-25. Review status: criteria provided, single submitter. Criteria: Ambry Variant Classification Scheme 2023. Collection method: clinical testing. Allele origin: germline.
Comment: The p.R396W variant (also known as c.1186C>T), located in coding exon 5 of the GATA2 gene, results from a C to T substitution at nucleotide position 1186. The arginine at codon 396 is replaced by tryptophan, an amino acid with dissimilar properties. This variant was reported in individual(s) with features consistent with GATA2 deficiency syndrome (Donadieu J et al. Haematologica, 2018 Aug;103:1278-1287; Andr&eacute;s-Zayas C et al. Mol Oncol, 2021 Sep;15:2273-2284; Rein A et al. Haematologica, 2023 Sep;108:2316-2330). In an assay testing GATA2 function, this variant showed a functionally abnormal result (Oleaga-Quintas C et al. J Clin Immunol, 2021 Apr;41:639-657). This amino acid position is highly conserved in available vertebrate species. In addition, this alteration is predicted to be deleterious by in silico analysis. This variant is considered to be rare based on population cohorts in the Genome Aggregation Database (gnomAD). Based on the majority of available evidence to date, this variant is likely to be pathogenic.

GeneDx
Classification: Likely pathogenic. Last evaluated: 2025-10-08. Review status: criteria provided, single submitter. Criteria: GeneDx Variant Classification Process June 2021. Collection method: clinical testing. Allele origin: germline. Affected: yes.
Comment: Published functional studies demonstrate functionally hypomorphic activity by luciferase assay compared to wild type (PMID: 33417088); In silico analysis supports that this missense variant has a deleterious effect on protein structure/function; Not observed at significant frequency in large population cohorts (gnomAD); This variant is associated with the following publications: (PMID: 23728141, 21670465, 27924436, 27876779, 22147895, 29724903, 31732620, 34426522, 33417088, 35460975, 36900380, 36455197, 34270823, 36475518, WilliamsAK2023[casereport], 40664679, 37624387, 34529785, 36357187, 37865086, 38676400, 37837580, 33533142, 35295078)

Blueprint Genetics
Classification: Pathogenic for GATA2-related disorders. Last evaluated: 2023-07-25. Review status: criteria provided, single submitter. Criteria: ACMG Guidelines, 2015. Collection method: clinical testing. Allele origin: germline. Affected: yes. Observed: 5 variant alleles.

Molecular Pathology Research Laboratory, SA Pathology
Classification: Pathogenic for GATA2 deficiency with susceptibility to MDS/AML; Deafness-lymphedema-leukemia syndrome. Last evaluated: 2021-07-06. Review status: criteria provided, single submitter. Criteria: ACMG Guidelines, 2015. Collection method: curation. Allele origin: germline. Inheritance: Autosomal dominant inheritance. Affected: yes. Observed: 12 variant alleles. Clinical features observed: Myelodysplasia, Acute Myeloid Leukemia, Immunodeficiency, Lymphedema, Hematological abnormality.
Comment: PS4, PM1, PM2, PM5, PP3

Genetic Services Laboratory, University of Chicago
Classification: Likely pathogenic. Last evaluated: 2018-07-27. Review status: criteria provided, single submitter. Criteria: ACMG Guidelines, 2015. Collection method: clinical testing. Allele origin: germline. Affected: yes.

PreventionGenetics, part of Exact Sciences
Classification: Pathogenic. Last evaluated: 2014-04-09. Review status: criteria provided, single submitter. Criteria: ACMG Guidelines, 2015. Collection method: clinical testing. Allele origin: germline.

Literature cited by the submitters: PubMed 21670465 (cited by Labcorp Genetics (formerly Invitae), Labcorp and Molecular Pathology Research Laboratory, SA Pathology); PubMed 27876779 (cited by Labcorp Genetics (formerly Invitae), Labcorp); PubMed 27924436 (cited by Labcorp Genetics (formerly Invitae), Labcorp and Molecular Pathology Research Laboratory, SA Pathology); PubMed 29724903 (cited by 3 submitters); PubMed 31732620 (cited by Labcorp Genetics (formerly Invitae), Labcorp); PubMed 21765025 (cited by Labcorp Genetics (formerly Invitae), Labcorp); PubMed 22430350 (cited by Labcorp Genetics (formerly Invitae), Labcorp); PubMed 22533337 (cited by Labcorp Genetics (formerly Invitae), Labcorp); PubMed 23223431 (cited by Labcorp Genetics (formerly Invitae), Labcorp); PubMed 24077845 (cited by Labcorp Genetics (formerly Invitae), Labcorp and Molecular Pathology Research Laboratory, SA Pathology); PubMed 25624456 (cited by Labcorp Genetics (formerly Invitae), Labcorp); PubMed 33417088 (cited by Ambry Genetics and Molecular Pathology Research Laboratory, SA Pathology); PubMed 33533142 (cited by Ambry Genetics); PubMed 36475518 (cited by Ambry Genetics); PubMed 24227816 (cited by Molecular Pathology Research Laboratory, SA Pathology); PubMed 25359990 (cited by Molecular Pathology Research Laboratory, SA Pathology); PubMed 20040766 (cited by Molecular Pathology Research Laboratory, SA Pathology); PubMed 23365458 (cited by Molecular Pathology Research Laboratory, SA Pathology); PubMed 23502222 (cited by Molecular Pathology Research Laboratory, SA Pathology); PubMed 26702063 (cited by Molecular Pathology Research Laboratory, SA Pathology); PubMed 23728141 (cited by Molecular Pathology Research Laboratory, SA Pathology); PubMed 30578959 (cited by Molecular Pathology Research Laboratory, SA Pathology).